The following is an entry in ClinVar:

NM_000692.5(ALDH1B1):c.1409T>C (p.Val470Ala)

Gene: ALDH1B1 (aldehyde dehydrogenase 1 family member B1; plus strand). Cytogenetic location: 9p13.1.
Variant type: single nucleotide variant.
Coding change: c.1409T>C on transcript NM_000692.5 (MANE Select); coding-DNA position 1409, T replaced by C.
Protein change: p.Val470Ala; replaces valine 470 with alanine.
Molecular consequence: missense variant.
Genome position (GRCh38, 1-based): chr9:38,397,157, T>C. VCF-style: chr9-38397157-T-C. GRCh37 (hg19) VCF-style: chr9-38397154-T-C.
Other names: p.V470A:GTA>GCA; short protein forms V470A.
Identifiers: ClinVar variation 214117 (VCV000214117.4), dbSNP rs61741825, ClinGen allele CA322906.

ClinVar aggregate classification (germline): Uncertain significance. Review status: criteria provided, multiple submitters, no conflicts (2 of 4 stars). 3 submissions from 3 submitters: Uncertain significance (3). Last evaluated 2020-07-13.

Conditions:
Complex neurodevelopmental disorder. Identifiers: Orphanet 528084, MedGen C5568766, MONDO:0100038.

Allele frequency attached by ClinVar (database versions not stated): 1000 Genomes Project 30x 0.00109; 1000 Genomes Project 0.00140; gnomAD exomes 0.00466 and 0.00822; ExAC 0.00479; TOPMed 0.00479; gnomAD 0.00501 and 0.00514; ESP Exome Variant Server 0.00638.

Submissions (3):

Department of Pathology and Laboratory Medicine, Sinai Health System
Classification: Uncertain significance for complex neurodevelopmental disorder. Last evaluated: 2020-07-13. Review status: criteria provided, single submitter. Criteria: ACMG Guidelines, 2015. Collection method: research. Allele origin: germline.

GeneDx
Classification: Uncertain significance. Last evaluated: 2017-06-22. Review status: criteria provided, single submitter. Criteria: GeneDx Variant Classification (06012015). Collection method: clinical testing. Allele origin: germline. Affected: yes.
Comment: p.Val470Ala (GTA>GCA): c.1409 T>C in exon 2 of the ALDH1B1 gene (NM_000692.4). The V470A missense substitution has not been published as a mutation, nor has it been reported as a benign polymorphism to our knowledge. The NHLBI ESP Exome Variant Server reports V470A was observed in 77/8600 alleles from individuals of European background. The V470A variant was also observed in 2.6% (76/2923) of alleles from the Coriell Apparently Healthy Collection in dbSNP. The V470A variant is a conservative amino acid substitution, which is not likely to impact secondary protein structure as these residues share similar properties. This substitution occurs at a position in the ALDH1B1 gene that is highly conserved in mammals. The in-silico models used predict that V470A is damaging to the ALDH1B1 protein. Therefore, based on the currently available information, it is unclear whether V470A is a disease-causing mutation or a rare benign variant. The variant is found in MITONUC-MITOP panel(s).

Breakthrough Genomics
Classification: Uncertain significance. Review status: criteria provided, single submitter. Criteria: ACMG Guidelines, 2015. Collection method: not provided. Allele origin: germline. Inheritance: Autosomal recessive inheritance. Affected: yes.